The following is an entry in ClinVar:

NM_017617.5(NOTCH1):c.5551G>A (p.Ala1851Thr)

Gene: NOTCH1 (notch receptor 1; minus strand). Cytogenetic location: 9q34.3.
Variant type: single nucleotide variant.
Coding change: c.5551G>A on transcript NM_017617.5 (MANE Select); coding-DNA position 5551, G replaced by A.
Protein change: p.Ala1851Thr; replaces alanine 1851 with threonine.
Molecular consequence: missense variant.
Genome position (GRCh38, 1-based): chr9:136,501,835, C>T on the plus strand (G>A on the coding strand, the complement: NOTCH1 is on the minus strand). VCF-style: chr9-136501835-C-T. GRCh37 (hg19) VCF-style: chr9-139396287-C-T.
Other names: short protein forms A1851T.
Identifiers: ClinVar variation 3252487 (VCV003252487.4), dbSNP rs1340087522.
Genomic context (GRCh38, chr9:136,501,835, plus strand): 5'-AGTCGGCGTCAACCTCACCCTGGGGCGGTGTGGGGGCCATGGCAGACATGCGCAGGTCAG[C>T]GGCATCCAGGTGCTGCTGAGTCCACTGCCGGTGGTCTGTCTGGTCGTCCAGGTCAGGCAG-3'
Protein context (NP_060087.3, residues 1841-1861): RQWTQQHLDA[Ala1851Thr]DLRMSAMAPT

ClinVar aggregate classification (germline): Uncertain significance. Review status: criteria provided, multiple submitters, no conflicts (2 of 4 stars). 2 submissions from 2 submitters: Uncertain significance (2). Last evaluated 2026-04-26.

Conditions:
Adams-Oliver syndrome 5 (AOS5). Identifiers: Orphanet 974, MedGen C4014970, MONDO:0014459, OMIM 616028.

Allele frequency attached by ClinVar (database versions not stated): gnomAD exomes below 0.00001.
gnomAD v4.1: 2 of 1,612,588 alleles (0.00012%); highest among the groups gnomAD compares: Non-Finnish European, 0.00017%; no homozygotes.

Submissions (2):

GeneDx
Classification: Uncertain significance. Last evaluated: 2026-04-26. Review status: criteria provided, single submitter. Criteria: GeneDx Variant Classification Process June 2021. Collection method: clinical testing. Allele origin: germline.
Comment: Not observed at significant frequency in large population cohorts (gnomAD); In silico analysis supports that this missense variant has a deleterious effect on protein structure/function; Has not been previously published as pathogenic or benign to our knowledge.

Labcorp Genetics (formerly Invitae), Labcorp
Classification: Uncertain significance for Adams-Oliver syndrome 5. Last evaluated: 2024-10-16. Review status: criteria provided, single submitter. Criteria: Invitae Variant Classification Sherloc (09022015). Collection method: clinical testing. Allele origin: germline.
Comment: This sequence change replaces alanine, which is neutral and non-polar, with threonine, which is neutral and polar, at codon 1851 of the NOTCH1 protein (p.Ala1851Thr). This variant is not present in population databases (gnomAD no frequency). This variant has not been reported in the literature in individuals affected with NOTCH1-related conditions. Invitae Evidence Modeling of protein sequence and biophysical properties (such as structural, functional, and spatial information, amino acid conservation, physicochemical variation, residue mobility, and thermodynamic stability) indicates that this missense variant is expected to disrupt NOTCH1 protein function with a positive predictive value of 80%. In summary, the available evidence is currently insufficient to determine the role of this variant in disease. Therefore, it has been classified as a Variant of Uncertain Significance.